The following is an entry in ClinVar:

ClinVar aggregate classification (germline): Uncertain significance. Review status: criteria provided, multiple submitters, no conflicts (2 of 4 stars). 4 submissions from 4 submitters: Uncertain significance (4). Last evaluated 2025-12-20.

Conditions:
Hereditary cancer-predisposing syndrome. Also called: Neoplastic Syndromes, Hereditary; Tumor predisposition; Hereditary neoplastic syndrome; Hereditary Cancer Syndrome. Identifiers: Orphanet 140162, MedGen C0027672, MeSH D009386, MONDO:0015356.
Familial adenomatous polyposis 1 (FAP1). Also called: POLYPOSIS, ADENOMATOUS INTESTINAL; FAMILIAL ADENOMATOUS POLYPOSIS 1, ATTENUATED. Identifiers: MedGen C2713442, MONDO:0021056, OMIM 175100. Disease mechanism: loss of function.

Submissions (4):

Labcorp Genetics (formerly Invitae), Labcorp
Classification: Uncertain significance for Familial adenomatous polyposis 1. Last evaluated: 2025-12-20. Review status: criteria provided, single submitter. Criteria: Invitae Variant Classification Sherloc (09022015). Collection method: clinical testing. Allele origin: germline.
Comment: This sequence change replaces alanine, which is neutral and non-polar, with glycine, which is neutral and non-polar, at codon 440 of the APC protein (p.Ala440Gly). This variant is not present in population databases (gnomAD no frequency). This variant has not been reported in the literature in individuals affected with APC-related conditions. ClinVar contains an entry for this variant (Variation ID: 628543). Invitae Evidence Modeling of protein sequence and biophysical properties (such as structural, functional, and spatial information, amino acid conservation, physicochemical variation, residue mobility, and thermodynamic stability) indicates that this missense variant is not expected to disrupt APC protein function with a negative predictive value of 95%. In summary, the available evidence is currently insufficient to determine the role of this variant in disease. Therefore, it has been classified as a Variant of Uncertain Significance.

Ambry Genetics
Classification: Uncertain significance for Hereditary cancer-predisposing syndrome. Last evaluated: 2025-06-08. Review status: criteria provided, single submitter. Criteria: Ambry Variant Classification Scheme 2023. Collection method: clinical testing. Allele origin: germline.
Comment: The p.A440G variant (also known as c.1319C>G), located in coding exon 10 of the APC gene, results from a C to G substitution at nucleotide position 1319. The alanine at codon 440 is replaced by glycine, an amino acid with similar properties. This amino acid position is not well conserved in available vertebrate species. In addition, in silico predictors for this gene do not accurately predict pathogenicity. Since supporting evidence is limited at this time, the clinical significance of this alteration remains unclear.

Color Diagnostics, LLC DBA Color Health
Classification: Uncertain significance for Hereditary cancer-predisposing syndrome. Last evaluated: 2024-07-01. Review status: criteria provided, single submitter. Criteria: ACMG Guidelines, 2015. Collection method: clinical testing. Allele origin: germline.
Comment: This missense variant replaces alanine with glycine at codon 440 of the APC protein. Computational prediction suggests that this variant may not impact protein structure and function (internally defined REVEL score threshold <= 0.5, PMID: 27666373). To our knowledge, functional studies have not been reported for this variant. This variant has been reported in an individual affected with early-onset colorectal cancer (PMID: 33359728). This variant has not been identified in the general population by the Genome Aggregation Database (gnomAD). The available evidence is insufficient to determine the role of this variant in disease conclusively. Therefore, this variant is classified as a Variant of Uncertain Significance.

Women's Health and Genetics/Laboratory Corporation of America, LabCorp
Classification: Uncertain significance. Last evaluated: 2018-01-02. Review status: criteria provided, single submitter. Criteria: LabCorp Variant Classification Summary - May 2015. Collection method: clinical testing. Allele origin: germline.
Comment: Variant summary: The APC c.1319C>G (p.Ala440Gly) variant involves the alteration of a conserved nucleotide and is predicted to be damaging by 3/4 in silico tools (SNPsandGO not captured due to low reliability index). This variant is absent in 245212 control chromosomes (gnomAD). The variant of interest has not, to our knowledge, been reported in affected individuals via publications and/or reputable databases/clinical diagnostic laboratories; nor evaluated for functional impact by in vivo/vitro studies. Because of the absence of clinical information and the lack of functional studies, the variant is classified as a variant of uncertain significance (VUS) until additional information becomes available.

Literature cited by the submitters: PubMed 33359728 (cited by Color Diagnostics, LLC DBA Color Health).

NM_000038.6(APC):c.1319C>G (p.Ala440Gly)

Gene: APC (APC regulator of Wnt signaling pathway; plus strand). Cytogenetic location: 5q22.2.
Variant type: single nucleotide variant.
Coding change: c.1319C>G on transcript NM_000038.6 (MANE Select); coding-DNA position 1319, C replaced by G.
Protein change: p.Ala440Gly; replaces alanine 440 with glycine.
Molecular consequence: missense variant.
Genome position (GRCh38, 1-based): chr5:112,821,902, C>G. VCF-style: chr5-112821902-C-G. GRCh37 (hg19) VCF-style: chr5-112157599-C-G.
Other names: c.1319C>G, p.Ala440Gly (NM_001127510.3, NM_001354895.2, NM_001354896.2); c.1265C>G, p.Ala422Gly (NM_001127511.3); c.1349C>G, p.Ala450Gly (NM_001354897.2); c.1244C>G, p.Ala415Gly (NM_001354898.2); c.1235C>G, p.Ala412Gly (NM_001354899.2); c.1142C>G, p.Ala381Gly (NM_001354900.2, NM_001354901.2); c.1046C>G, p.Ala349Gly (NM_001354902.2); c.1016C>G, p.Ala339Gly (NM_001354903.2); and 3 more; short protein forms A440G, A422G, A450G, A314G, A349G, A381G, A412G, A339G.
Identifiers: ClinVar variation 628543 (VCV000628543.21), dbSNP rs1561545834, ClinGen allele CA16024195.